The following is an entry in ClinVar:

ClinVar aggregate classification (germline): Uncertain significance (1 of 4 stars; one submission).

Conditions:
Spastic paraplegia-severe developmental delay-epilepsy syndrome. Also called: Spastic paraplegia and psychomotor retardation with or without seizures. Identifiers: Orphanet 464282, MedGen C4225215, MONDO:0014764, OMIM 616756.

Submission:

Genomic Research Center, Shahid Beheshti University of Medical Sciences
Classification: Uncertain significance for Spastic paraplegia-severe developmental delay-epilepsy syndrome. Last evaluated: 2023-12-06. Review status: criteria provided, single submitter. Criteria: ACMG Guidelines, 2015. Collection method: clinical testing. Allele origin: inherited. Affected: yes. Observed: 1 homozygote.
Comment: This missense variant is absent in population databases. The gene is intolerant to benign missense variation, and missense changes are a known disease mechanism.

NM_020771.4(HACE1):c.125A>C (p.Gln42Pro)

Gene: HACE1 (HECT domain and ankyrin repeat containing E3 ubiquitin protein ligase 1; minus strand). Cytogenetic location: 6q16.3.
Variant type: single nucleotide variant.
Coding change: c.125A>C on transcript NM_020771.4 (MANE Select); coding-DNA position 125, A replaced by C.
Protein change: p.Gln42Pro; replaces glutamine 42 with proline.
Molecular consequence: missense variant. On other transcripts: 5 prime UTR variant (6), non-coding transcript variant (7).
Genome position (GRCh38, 1-based): chr6:104,852,323, T>G on the plus strand (A>C on the coding strand, the complement: HACE1 is on the minus strand). VCF-style: chr6-104852323-T-G. GRCh37 (hg19) VCF-style: chr6-105300198-T-G.
Other names: c.125A>C, p.Gln42Pro (NM_001321080.2, NM_001350555.2); c.23A>C, p.Gln8Pro (NM_001321083.2, NM_001350554.2); c.-297A>C (NM_001321084.2, NM_001350558.2); c.-286A>C (NM_001350556.2); c.-221A>C (NM_001350557.2); c.-243A>C (NM_001350559.2); c.-451A>C (NM_001350560.2); short protein forms Q42P, Q8P.
Identifiers: ClinVar variation 4537490 (VCV004537490.1).